The following is an entry in ClinVar:

NM_003816.3(ADAM9):c.338A>G (p.His113Arg)

Gene: ADAM9 (ADAM metallopeptidase domain 9; plus strand). Cytogenetic location: 8p11.22.
Variant type: single nucleotide variant.
Coding change: c.338A>G on transcript NM_003816.3 (MANE Select); coding-DNA position 338, A replaced by G.
Protein change: p.His113Arg; replaces histidine 113 with arginine.
Molecular consequence: missense variant. On other transcripts: non-coding transcript variant (3).
Genome position (GRCh38, 1-based): chr8:39,016,122, A>G. VCF-style: chr8-39016122-A-G. GRCh37 (hg19) VCF-style: chr8-38873641-A-G.
Other names: short protein forms H113R.
Identifiers: ClinVar variation 1429020 (VCV001429020.4), dbSNP rs1301198724, ClinGen allele CA370753033.

ClinVar aggregate classification (germline): Uncertain significance (1 of 4 stars; one submission).

Allele frequency attached by ClinVar (database versions not stated): gnomAD exomes 0.00001.
gnomAD v4.1: 18 of 1,613,334 alleles (0.0011%); highest among the groups gnomAD compares: Non-Finnish European, 0.0015%; no homozygotes.

Submission:

Labcorp Genetics (formerly Invitae), Labcorp
Classification: Uncertain significance. Last evaluated: 2021-11-15. Review status: criteria provided, single submitter. Criteria: Invitae Variant Classification Sherloc (09022015). Collection method: clinical testing. Allele origin: germline.
Comment: Algorithms developed to predict the effect of missense changes on protein structure and function are either unavailable or do not agree on the potential impact of this missense change (SIFT: "Deleterious"; PolyPhen-2: "Probably Damaging"; Align-GVGD: "Class C0"). This variant has not been reported in the literature in individuals affected with ADAM9-related conditions. This variant is present in population databases (no rsID available, gnomAD 0.002%). This sequence change replaces histidine, which is basic and polar, with arginine, which is basic and polar, at codon 113 of the ADAM9 protein (p.His113Arg). In summary, the available evidence is currently insufficient to determine the role of this variant in disease. Therefore, it has been classified as a Variant of Uncertain Significance.